The following is an entry in ClinVar:

ClinVar aggregate classification (germline): Uncertain significance (1 of 4 stars; one submission).

Conditions:
Hereditary cancer-predisposing syndrome. Also called: Neoplastic Syndromes, Hereditary; Tumor predisposition; Hereditary Cancer Syndrome; Hereditary neoplastic syndrome. Identifiers: Orphanet 140162, MedGen C0027672, MeSH D009386, MONDO:0015356.

Submission:

Ambry Genetics
Classification: Uncertain significance for Hereditary cancer-predisposing syndrome. Last evaluated: 2022-05-31. Review status: criteria provided, single submitter. Criteria: Ambry Variant Classification Scheme 2023. Collection method: clinical testing. Allele origin: germline.
Comment: The p.S1352T variant (also known as c.4054T>A), located in coding exon 20 of the BLM gene, results from a T to A substitution at nucleotide position 4054. The serine at codon 1352 is replaced by threonine, an amino acid with similar properties. This amino acid position is conserved. In addition, this alteration is predicted to be tolerated by in silico analysis. Since supporting evidence is limited at this time, the clinical significance of this alteration remains unclear.

NM_000057.4(BLM):c.4054T>A (p.Ser1352Thr)

Gene: BLM (BLM RecQ like helicase; plus strand). Cytogenetic location: 15q26.1.
Variant type: single nucleotide variant.
Coding change: c.4054T>A on transcript NM_000057.4 (MANE Select); coding-DNA position 4054, T replaced by A.
Protein change: p.Ser1352Thr; replaces serine 1352 with threonine.
Molecular consequence: missense variant.
Genome position (GRCh38, 1-based): chr15:90,811,384, T>A. VCF-style: chr15-90811384-T-A. GRCh37 (hg19) VCF-style: chr15-91354614-T-A.
Other names: c.4054T>A, p.Ser1352Thr (NM_001287246.2); c.3661T>A, p.Ser1221Thr (NM_001287247.2); c.2929T>A, p.Ser977Thr (NM_001287248.2); short protein forms S1221T, S977T, S1352T.
Identifiers: ClinVar variation 1737407 (VCV001737407.2), dbSNP rs2505567727, ClinGen allele CA393851498.